The following is an entry in ClinVar:

NM_001267550.2(TTN):c.278C>G (p.Ala93Gly)

Gene: TTN (titin; minus strand). Cytogenetic location: 2q31.2.
Variant type: single nucleotide variant.
Coding change: c.278C>G on transcript NM_001267550.2 (MANE Select); coding-DNA position 278, C replaced by G.
Protein change: p.Ala93Gly; replaces alanine 93 with glycine.
Molecular consequence: missense variant.
Genome position (GRCh38, 1-based): chr2:178,802,155, G>C on the plus strand (C>G on the coding strand, the complement: TTN is on the minus strand). VCF-style: chr2-178802155-G-C. GRCh37 (hg19) VCF-style: chr2-179666882-G-C.
Other names: c.278C>G, p.Ala93Gly (NM_001256850.1, NM_003319.4, NM_133378.4 and 3 more transcripts); short protein forms A93G.
Identifiers: ClinVar variation 466968 (VCV000466968.9), dbSNP rs1473207810, ClinGen allele CA349530217.

ClinVar aggregate classification (germline): Uncertain significance. Review status: criteria provided, multiple submitters, no conflicts (2 of 4 stars). 2 submissions from 2 submitters: Uncertain significance (2). Last evaluated 2022-02-04.

Conditions:
Autosomal recessive limb-girdle muscular dystrophy type 2J (LGMDR10). Also called: Limb-girdle muscular dystrophy, type 2J; MUSCULAR DYSTROPHY, LIMB-GIRDLE, AUTOSOMAL RECESSIVE 10. Identifiers: Orphanet 140922, MedGen C1837342, MONDO:0012127, OMIM 608807.
Dilated cardiomyopathy 1G (CMD1G). Identifiers: Orphanet 154, MedGen C1858763, MONDO:0011400, OMIM 604145.

Submissions (2):

Labcorp Genetics (formerly Invitae), Labcorp
Classification: Uncertain significance for Dilated cardiomyopathy 1G; Autosomal recessive limb-girdle muscular dystrophy type 2J. Last evaluated: 2022-02-04. Review status: criteria provided, single submitter. Criteria: Invitae Variant Classification Sherloc (09022015). Collection method: clinical testing. Allele origin: germline.
Comment: This sequence change replaces alanine, which is neutral and non-polar, with glycine, which is neutral and non-polar, at codon 93 of the TTN protein (p.Ala93Gly). This variant is not present in population databases (gnomAD no frequency). This variant has not been reported in the literature in individuals affected with TTN-related conditions. ClinVar contains an entry for this variant (Variation ID: 466968). Experimental studies and prediction algorithms are not available or were not evaluated, and the functional significance of this variant is currently unknown. Algorithms developed to predict the effect of sequence changes on RNA splicing suggest that this variant may create or strengthen a splice site. This variant is located in the Z band of TTN (PMID: 25589632). Variants in this region may be clinically relevant, but have not been definitively shown to cause cardiomyopathy or neuromuscular disease (PMID: 27493940, 32778822). In summary, the available evidence is currently insufficient to determine the role of this variant in disease. Therefore, it has been classified as a Variant of Uncertain Significance.

Eurofins Ntd Llc (ga)
Classification: Uncertain significance. Last evaluated: 2016-12-30. Review status: criteria provided, single submitter. Criteria: EGL Classification Definitions 2015. Collection method: clinical testing. Allele origin: germline. Observed: 1 variant allele, 1 heterozygote.

Literature cited by the submitters: PubMed 25589632 (cited by Labcorp Genetics (formerly Invitae), Labcorp); PubMed 27493940 (cited by Labcorp Genetics (formerly Invitae), Labcorp); PubMed 32778822 (cited by Labcorp Genetics (formerly Invitae), Labcorp).